The following is an entry in ClinVar:

NM_004972.4(JAK2):c.2265T>A (p.Ser755Arg)

Genes: INSL6 (insulin like 6; minus strand), JAK2 (Janus kinase 2; plus strand). Cytogenetic location: 9p24.1.
Variant type: single nucleotide variant.
Coding change: c.2265T>A on transcript NM_004972.4 (MANE Select); coding-DNA position 2265, T replaced by A.
Protein change: p.Ser755Arg; replaces serine 755 with arginine.
Molecular consequence: missense variant. On other transcripts: non-coding transcript variant (2).
Genome position (GRCh38, 1-based): chr9:5,080,362, T>A. VCF-style: chr9-5080362-T-A. GRCh37 (hg19) VCF-style: chr9-5080362-T-A.
Other names: p.Ser755Arg; c.2265T>A, p.Ser755Arg (NM_001322194.2, NM_001322195.2, NM_001322196.2); c.1050T>A, p.Ser350Arg (NM_001322198.2, NM_001322199.2); c.1818T>A, p.Ser606Arg (NM_001322204.2); short protein forms S350R, S606R, S755R.
Identifiers: ClinVar variation 3379845 (VCV003379845.2).
Genomic context (GRCh38, chr9:5,080,362, plus strand): 5'-CAAATGGAGTTTTGGTACCACTTTGTGGGAAATCTGCAGTGGAGGAGATAAACCTCTAAG[T>A]GCTCTGGATTCTCAAAGAGTAAGTTTATATAGACTAAGTTAGAATTACTCTATCTCTGAA-3'
Protein context (NP_004963.1, residues 745-765): EICSGGDKPL[Ser755Arg]ALDSQRKLQF

ClinVar aggregate classification (germline): Uncertain significance. Review status: criteria provided, multiple submitters, no conflicts (2 of 4 stars). 2 submissions from 2 submitters: Uncertain significance (2). Last evaluated 2026-01-21.

gnomAD v4.1: 30 of 1,612,898 alleles (0.0019%); highest among the groups gnomAD compares: Non-Finnish European, 0.0025%; no homozygotes.

Submissions (2):

Labcorp Genetics (formerly Invitae), Labcorp
Classification: Uncertain significance. Last evaluated: 2026-01-21. Review status: criteria provided, single submitter. Criteria: Invitae Variant Classification Sherloc (09022015). Collection method: clinical testing. Allele origin: germline.
Comment: This sequence change replaces serine, which is neutral and polar, with arginine, which is basic and polar, at codon 755 of the JAK2 protein (p.Ser755Arg). This variant is present in population databases (rs760667430, gnomAD 0.005%). This missense change has been observed in individual(s) with thrombocytosis (PMID: 24398328). ClinVar contains an entry for this variant (Variation ID: 3379845). Invitae Evidence Modeling of protein sequence and biophysical properties (such as structural, functional, and spatial information, amino acid conservation, physicochemical variation, residue mobility, and thermodynamic stability) indicates that this missense variant is not expected to disrupt JAK2 protein function with a negative predictive value of 80%. In summary, the available evidence is currently insufficient to determine the role of this variant in disease. Therefore, it has been classified as a Variant of Uncertain Significance.

Mayo Clinic Laboratories, Mayo Clinic
Classification: Uncertain significance. Last evaluated: 2024-04-30. Review status: criteria provided, single submitter. Criteria: ACMG Guidelines, 2015. Collection method: clinical testing. Allele origin: germline. Observed: 3 variant alleles.
Comment: PP3, PM2_moderate

Literature cited by the submitters: PubMed 24398328 (cited by Labcorp Genetics (formerly Invitae), Labcorp and Mayo Clinic Laboratories, Mayo Clinic); PubMed 34341988 (cited by Mayo Clinic Laboratories, Mayo Clinic).